The following is an entry in ClinVar:

NM_000081.4(LYST):c.7991T>C (p.Ile2664Thr)

Gene: LYST (lysosomal trafficking regulator; minus strand). Cytogenetic location: 1q42.3.
Variant type: single nucleotide variant.
Coding change: c.7991T>C on transcript NM_000081.4 (MANE Select); coding-DNA position 7991, T replaced by C.
Protein change: p.Ile2664Thr; replaces isoleucine 2664 with threonine.
Molecular consequence: missense variant.
Genome position (GRCh38, 1-based): chr1:235,744,139, A>G on the plus strand (T>C on the coding strand, the complement: LYST is on the minus strand). VCF-style: chr1-235744139-A-G. GRCh37 (hg19) VCF-style: chr1-235907439-A-G.
Other names: c.7991T>C, p.Ile2664Thr (NM_001301365.1); short protein forms I2664T.
Identifiers: ClinVar variation 2081468 (VCV002081468.3), dbSNP rs1202956106, ClinGen allele CA344925203.

ClinVar aggregate classification (germline): Uncertain significance (1 of 4 stars; one submission).

Conditions:
Chédiak-Higashi syndrome (CHS). Also called: Chediak-Higashi Syndrome. Identifiers: Orphanet 167, MedGen C0007965, MONDO:0008963, OMIM 214500.

Allele frequency attached by ClinVar (database versions not stated): gnomAD 0.00001.

Submission:

Labcorp Genetics (formerly Invitae), Labcorp
Classification: Uncertain significance for Chédiak-Higashi syndrome. Last evaluated: 2022-04-12. Review status: criteria provided, single submitter. Criteria: Invitae Variant Classification Sherloc (09022015). Collection method: clinical testing. Allele origin: germline.
Comment: In summary, the available evidence is currently insufficient to determine the role of this variant in disease. Therefore, it has been classified as a Variant of Uncertain Significance. Algorithms developed to predict the effect of missense changes on protein structure and function (SIFT, PolyPhen-2, Align-GVGD) all suggest that this variant is likely to be tolerated. This variant has not been reported in the literature in individuals affected with LYST-related conditions. This variant is present in population databases (no rsID available, gnomAD 0.007%). This sequence change replaces isoleucine, which is neutral and non-polar, with threonine, which is neutral and polar, at codon 2664 of the LYST protein (p.Ile2664Thr).